The following is an entry in ClinVar:

ClinVar aggregate classification (germline): Uncertain significance (1 of 4 stars; one submission).

Conditions:
Inborn genetic diseases. Identifiers: MedGen C0950123, MeSH D030342.

Submission:

Ambry Genetics
Classification: Uncertain significance for Inborn genetic diseases. Last evaluated: 2026-04-28. Review status: criteria provided, single submitter. Criteria: Ambry Variant Classification Scheme 2023. Collection method: clinical testing. Allele origin: germline.
Comment: The p.L767I variant (also known as c.2299C>A), located in coding exon 21 of the ANKRD26 gene, results from a C to A substitution at nucleotide position 2299. The leucine at codon 767 is replaced by isoleucine, an amino acid with highly similar properties. This amino acid position is conserved. In addition, this alteration is predicted to be tolerated by in silico analysis. Based on the available evidence, the clinical significance of this variant remains unclear.

NM_014915.3(ANKRD26):c.2299C>A (p.Leu767Ile)

Gene: ANKRD26 (ankyrin repeat domain 26; minus strand). Cytogenetic location: 10p12.1.
Variant type: single nucleotide variant.
Coding change: c.2299C>A on transcript NM_014915.3 (MANE Select); coding-DNA position 2299, C replaced by A.
Protein change: p.Leu767Ile; replaces leucine 767 with isoleucine.
Molecular consequence: missense variant.
Genome position (GRCh38, 1-based): chr10:27,040,041, G>T on the plus strand (C>A on the coding strand, the complement: ANKRD26 is on the minus strand). VCF-style: chr10-27040041-G-T. GRCh37 (hg19) VCF-style: chr10-27328970-G-T.
Other names: c.2296C>A, p.Leu766Ile (NM_001256053.2); short protein forms L766I, L767I.
Identifiers: ClinVar variation 4859584 (VCV004859584.1).
Genomic context (GRCh38, chr10:27,040,041, plus strand): 5'-CTCGTTCCCATTCAACTTTTTGATGCTCTAACTGTGATTTTATTTCTTTTGTTTCAGATA[G>T]CTCCCTTTGTAGTACATTAACCTTGTCTTCCATTTTTTTAATTTTTACTGTAAGTAGTTC-3'
Protein context (NP_055730.2, residues 757-777): EDKVNVLQRE[Leu767Ile]SETKEIKSQL